The following is an entry in ClinVar:

NM_016169.4(SUFU):c.139G>A (p.Asp47Asn)

Gene: SUFU (SUFU negative regulator of hedgehog signaling; plus strand). Cytogenetic location: 10q24.32.
Variant type: single nucleotide variant.
Coding change: c.139G>A on transcript NM_016169.4 (MANE Select); coding-DNA position 139, G replaced by A.
Protein change: p.Asp47Asn; replaces aspartic acid 47 with asparagine.
Molecular consequence: missense variant.
Genome position (GRCh38, 1-based): chr10:102,504,291, G>A. VCF-style: chr10-102504291-G-A. GRCh37 (hg19) VCF-style: chr10-104264048-G-A.
Other names: c.139G>A, p.Asp47Asn (NM_001178133.2); short protein forms D47N.
Identifiers: ClinVar variation 953157 (VCV000953157.11), dbSNP rs2062292973, ClinGen allele CA377886600.

ClinVar aggregate classification (germline): Uncertain significance. Review status: criteria provided, multiple submitters, no conflicts (2 of 4 stars). 2 submissions from 2 submitters: Uncertain significance (2). Last evaluated 2025-04-08.

Conditions:
Gorlin syndrome. Also called: Basal cell nevus syndrome; Nevoid Basal Cell Carcinoma Syndrome. Identifiers: Orphanet 377, MedGen C0004779, MONDO:0007187.
Medulloblastoma (MDB). Also called: MEDULLOBLASTOMA PREDISPOSITION SYNDROME; Medulloblastoma, somatic. Identifiers: Orphanet 616, MedGen C0025149, MeSH D008527, MONDO:0007959, OMIM 155255, HP:0002885.
Hereditary cancer-predisposing syndrome. Also called: Hereditary neoplastic syndrome; Tumor predisposition; Neoplastic Syndromes, Hereditary; Hereditary Cancer Syndrome. Identifiers: Orphanet 140162, MedGen C0027672, MeSH D009386, MONDO:0015356.

Allele frequency attached by ClinVar (database versions not stated): gnomAD exomes below 0.00001.
gnomAD v4.1: 2 of 1,614,028 alleles (0.00012%); highest among the groups gnomAD compares: South Asian, 0.0011%; no homozygotes.

Submissions (2):

Labcorp Genetics (formerly Invitae), Labcorp
Classification: Uncertain significance for Gorlin syndrome; Medulloblastoma. Last evaluated: 2025-04-08. Review status: criteria provided, single submitter. Criteria: Invitae Variant Classification Sherloc (09022015). Collection method: clinical testing. Allele origin: germline.
Comment: This sequence change replaces aspartic acid, which is acidic and polar, with asparagine, which is neutral and polar, at codon 47 of the SUFU protein (p.Asp47Asn). This variant is not present in population databases (gnomAD no frequency). This variant has not been reported in the literature in individuals affected with SUFU-related conditions. ClinVar contains an entry for this variant (Variation ID: 953157). Invitae Evidence Modeling of protein sequence and biophysical properties (such as structural, functional, and spatial information, amino acid conservation, physicochemical variation, residue mobility, and thermodynamic stability) indicates that this missense variant is not expected to disrupt SUFU protein function with a negative predictive value of 80%. In summary, the available evidence is currently insufficient to determine the role of this variant in disease. Therefore, it has been classified as a Variant of Uncertain Significance.

Ambry Genetics
Classification: Uncertain significance for Hereditary cancer-predisposing syndrome. Last evaluated: 2024-01-11. Review status: criteria provided, single submitter. Criteria: Ambry Variant Classification Scheme 2023. Collection method: clinical testing. Allele origin: germline.
Comment: The p.D47N variant (also known as c.139G>A), located in coding exon 1 of the SUFU gene, results from a G to A substitution at nucleotide position 139. The aspartic acid at codon 47 is replaced by asparagine, an amino acid with highly similar properties. This amino acid position is conserved. In addition, this alteration is predicted to be tolerated by in silico analysis. Since supporting evidence is limited at this time, the clinical significance of this alteration remains unclear.